The following is an entry in ClinVar:

ClinVar aggregate classification (germline): Uncertain significance (1 of 4 stars; one submission).

Allele frequency attached by ClinVar (database versions not stated): TOPMed 0.00001; ExAC 0.00003.

Submission:

Labcorp Genetics (formerly Invitae), Labcorp
Classification: Uncertain significance. Last evaluated: 2022-01-16. Review status: criteria provided, single submitter. Criteria: Invitae Variant Classification Sherloc (09022015). Collection method: clinical testing. Allele origin: germline.
Comment: This variant is present in population databases (rs750913870, gnomAD 0.02%). In summary, the available evidence is currently insufficient to determine the role of this variant in disease. Therefore, it has been classified as a Variant of Uncertain Significance. Algorithms developed to predict the effect of missense changes on protein structure and function are either unavailable or do not agree on the potential impact of this missense change (SIFT: "Deleterious"; PolyPhen-2: "Probably Damaging"; Align-GVGD: "Class C0"). This variant has not been reported in the literature in individuals affected with TRPM1-related conditions. This sequence change replaces glycine, which is neutral and non-polar, with valine, which is neutral and non-polar, at codon 244 of the TRPM1 protein (p.Gly244Val).

NM_001252024.2(TRPM1):c.797G>T (p.Gly266Val)

Gene: TRPM1 (transient receptor potential cation channel subfamily M member 1; minus strand). Cytogenetic location: 15q13.3.
Variant type: single nucleotide variant.
Coding change: c.797G>T on transcript NM_001252024.2 (MANE Select); coding-DNA position 797, G replaced by T.
Protein change: p.Gly266Val; replaces glycine 266 with valine.
Molecular consequence: missense variant.
Genome position (GRCh38, 1-based): chr15:31,063,286, C>A on the plus strand (G>T on the coding strand, the complement: TRPM1 is on the minus strand). VCF-style: chr15-31063286-C-A. GRCh37 (hg19) VCF-style: chr15-31355489-C-A.
Other names: c.848G>T, p.Gly283Val (NM_001252020.2); c.731G>T, p.Gly244Val (NM_002420.6); short protein forms G266V, G244V, G283V.
Identifiers: ClinVar variation 2085794 (VCV002085794.4), dbSNP rs750913870, ClinGen allele CA7452797.